The following is an entry in ClinVar:

ClinVar aggregate classification (germline): Pathogenic (1 of 4 stars; one submission).

Conditions:
Oligodontia-cancer predisposition syndrome. Also called: TOOTH AGENESIS-COLORECTAL CANCER SYNDROME. Identifiers: Orphanet 300576, MedGen C1837750, MONDO:0012075, OMIM 608615. Disease mechanism: loss of function.

Submission:

Labcorp Genetics (formerly Invitae), Labcorp
Classification: Pathogenic for Oligodontia-cancer predisposition syndrome. Last evaluated: 2025-10-07. Review status: criteria provided, single submitter. Criteria: Invitae Variant Classification Sherloc (09022015). Collection method: clinical testing. Allele origin: germline.
Comment: This sequence change creates a premature translational stop signal (p.Ser466Leufs*162) in the AXIN2 gene. It is expected to result in an absent or disrupted protein product. Loss-of-function variants in AXIN2 are known to be pathogenic (PMID: 15042511, 21416598). This variant is not present in population databases (gnomAD no frequency). This variant has not been reported in the literature in individuals affected with AXIN2-related conditions. For these reasons, this variant has been classified as Pathogenic.

Literature cited by the submitters: PubMed 15042511; PubMed 21416598.

NM_004655.4(AXIN2):c.1394dup (p.Ser466fs)

Gene: AXIN2 (axin 2; minus strand). Cytogenetic location: 17q24.1.
Variant type: Duplication.
Coding change: c.1394dup on transcript NM_004655.4 (MANE Select); coding-DNA position 1394, one base duplicated (G; older notation c.1394dupG).
Protein change: p.Ser466fs; shifts the reading frame from serine 466.
Molecular consequence: frameshift variant.
Genome position (GRCh38, 1-based): chr17:65,537,642, C duplicated on the plus strand (G on the coding strand, the reverse complement: AXIN2 is on the minus strand). VCF-style (leftmost placement, unchanged base first): chr17-65537641-G-GC. GRCh37 (hg19) VCF-style: chr17-63533759-G-GC.
Other names: c.1394dup, p.Ser466fs (NM_001363813.1); short protein forms S466fs.
Identifiers: ClinVar variation 4728600 (VCV004728600.1).